The following is an entry in ClinVar:

ClinVar aggregate classification (germline): Uncertain significance. Review status: criteria provided, multiple submitters, no conflicts (2 of 4 stars). 2 submissions from 2 submitters: Uncertain significance (2). Last evaluated 2025-11-09.

Conditions:
Emery-Dreifuss muscular dystrophy (EDMD). Also called: Scapuloperoneal syndrome, X-linked (formerly); Humeroperoneal neuromuscular disease, (formerly). Identifiers: Orphanet 261, MedGen C0410189, MONDO:0016830.

Allele frequency attached by ClinVar (database versions not stated): TOPMed 0.00003; gnomAD exomes 0.00004; ExAC 0.00005; gnomAD 0.00005; 1000 Genomes Project 30x 0.00016; 1000 Genomes Project 0.00020.
gnomAD v4.1: 60 of 1,613,956 alleles (0.0037%); highest among the groups gnomAD compares: Admixed American, 0.0067%; no homozygotes.

Submissions (2):

Labcorp Genetics (formerly Invitae), Labcorp
Classification: Uncertain significance for Emery-Dreifuss muscular dystrophy. Last evaluated: 2025-11-09. Review status: criteria provided, single submitter. Criteria: Invitae Variant Classification Sherloc (09022015). Collection method: clinical testing. Allele origin: germline.
Comment: This sequence change replaces aspartic acid, which is acidic and polar, with asparagine, which is neutral and polar, at codon 668 of the SUN2 protein (p.Asp668Asn). This variant is present in population databases (rs549404842, gnomAD 0.007%). This variant has not been reported in the literature in individuals affected with SUN2-related conditions. ClinVar contains an entry for this variant (Variation ID: 1447692). An algorithm developed to predict the effect of missense changes on protein structure and function outputs the following: PolyPhen-2: "Benign". The asparagine amino acid residue is found in multiple mammalian species, which suggests that this missense change does not adversely affect protein function. In summary, the available evidence is currently insufficient to determine the role of this variant in disease. Therefore, it has been classified as a Variant of Uncertain Significance.

Ambry Genetics
Classification: Uncertain significance. Last evaluated: 2025-08-02. Review status: criteria provided, single submitter. Criteria: Ambry Variant Classification Scheme 2023. Collection method: clinical testing. Allele origin: germline.

NM_015374.3(SUN2):c.2002G>A (p.Asp668Asn)

Genes: GTPBP1 (GTP binding protein 1; plus strand), SUN2 (Sad1 and UNC84 domain containing 2; minus strand). Cytogenetic location: 22q13.1.
Variant type: single nucleotide variant.
Coding change: c.2002G>A on transcript NM_015374.3 (MANE Select); coding-DNA position 2002, G replaced by A.
Protein change: p.Asp668Asn; replaces aspartic acid 668 with asparagine.
Molecular consequence: missense variant.
Genome position (GRCh38, 1-based): chr22:38,738,211, C>T on the plus strand (G>A on the coding strand, the complement: SUN2 is on the minus strand). VCF-style: chr22-38738211-C-T. GRCh37 (hg19) VCF-style: chr22-39134216-C-T.
Other names: c.2002G>A, p.Asp668Asn (NM_001394434.1, NM_001394435.1, NM_001199580.2 and 3 more transcripts); c.2002G>A (NM_015374.2); c.2095G>A, p.Asp699Asn (NM_001394427.1); c.2065G>A, p.Asp689Asn (NM_001394428.1, NM_001199579.2); c.2047G>A, p.Asp683Asn (NM_001394429.1, NM_001394430.1); c.1999G>A, p.Asp667Asn (NM_001394436.1, NM_001394437.1); c.1912G>A, p.Asp638Asn (NM_001394438.1); c.1864G>A, p.Asp622Asn (NM_001394439.1, NM_001394440.1, NM_001394441.1); and 3 more; short protein forms D683N, D476N, D504N, D667N, D689N, D699N, D535N, D622N.
Identifiers: ClinVar variation 1447692 (VCV001447692.7), dbSNP rs549404842, ClinGen allele CA10235364.